The following is an entry in ClinVar:

ClinVar aggregate classification (germline): Pathogenic/Likely pathogenic. Review status: criteria provided, multiple submitters, no conflicts (2 of 4 stars). 2 submissions from 2 submitters: Pathogenic (1); Likely pathogenic (1). Last evaluated 2024-12-11.

Conditions:
Charcot-Marie-Tooth disease axonal type 2V. Also called: CHARCOT-MARIE-TOOTH NEUROPATHY, TYPE 2V; CHARCOT-MARIE-TOOTH DISEASE, AXONAL, AUTOSOMAL DOMINANT, TYPE 2V. Identifiers: Orphanet 447964, MedGen C5569050, MONDO:0014665, OMIM 616491.
Mucopolysaccharidosis, MPS-III-B (MPS3B). Also called: N-ACETYL-ALPHA-D-GLUCOSAMINIDASE DEFICIENCY; NAGLU DEFICIENCY; SANFILIPPO SYNDROME B; MPS III B; MUCOPOLYSACCHARIDOSIS, TYPE IIIB; MPS IIIB (Sanfilippo Syndrome Type B). Identifiers: Orphanet 79270, MedGen C0086648, MONDO:0009656, OMIM 252920.

Allele frequency attached by ClinVar (database versions not stated): gnomAD exomes 0.00003.
gnomAD v4.1: 33 of 1,248,148 alleles (0.0026%); highest among the groups gnomAD compares: Non-Finnish European, 0.0032%; no homozygotes.

Submissions (2):

Natera, Inc.
Classification: Likely pathogenic for Mucopolysaccharidosis type IIIB. Last evaluated: 2024-12-11. Review status: criteria provided, single submitter. Criteria: Natera Variant Classification Schema (03/2026). Collection method: clinical testing. Allele origin: germline.
Comment: The c.144C>A variant in NAGLU is a missense variant predicted to cause substitution of phenylalanine to leucine at amino acid 48. This variant is rare in the general population with a frequency below the threshold expected for the associated phenotype(s). This variant has been observed in one or more individuals affected with the associated recessive disease, as either homozygous or compound heterozygous with a second variant (PMID: 10094189). Another variant at this same site results in an alteration predicted to cause a similar molecular effect has been observed in individual(s) with the associated phenotype. Computational prediction algorithms indicate this variant is likely to affect gene or protein function. Given the available evidence, this variant is classified as Likely Pathogenic.

Labcorp Genetics (formerly Invitae), Labcorp
Classification: Pathogenic for Charcot-Marie-Tooth disease axonal type 2V; Mucopolysaccharidosis, MPS-III-B. Last evaluated: 2022-03-22. Review status: criteria provided, single submitter. Criteria: Invitae Variant Classification Sherloc (09022015). Collection method: clinical testing. Allele origin: germline.
Comment: Advanced modeling of protein sequence and biophysical properties (such as structural, functional, and spatial information, amino acid conservation, physicochemical variation, residue mobility, and thermodynamic stability) performed at Invitae indicates that this missense variant is expected to disrupt NAGLU protein function. Experimental studies have shown that this missense change affects NAGLU function (PMID: 11068184). For these reasons, this variant has been classified as Pathogenic. This variant disrupts the p.Phe48 amino acid residue in NAGLU. Other variant(s) that disrupt this residue have been determined to be pathogenic (PMID: 9832037, 29979746). This suggests that this residue is clinically significant, and that variants that disrupt this residue are likely to be disease-causing. This sequence change replaces phenylalanine, which is neutral and non-polar, with leucine, which is neutral and non-polar, at codon 48 of the NAGLU protein (p.Phe48Leu). This variant is not present in population databases (gnomAD no frequency). This missense change has been observed in individual(s) with mucopolysaccharidosis type IIIB (PMID: 10094189).

Literature cited by the submitters: PubMed 10094189 (cited by Natera, Inc. and Labcorp Genetics (formerly Invitae), Labcorp); PubMed 11068184 (cited by Labcorp Genetics (formerly Invitae), Labcorp); PubMed 9832037 (cited by Labcorp Genetics (formerly Invitae), Labcorp); PubMed 29979746 (cited by Labcorp Genetics (formerly Invitae), Labcorp).

NM_000263.4(NAGLU):c.144C>A (p.Phe48Leu)

Genes: NAGLU (N-acetyl-alpha-glucosaminidase; plus strand), LOC130060903 (ATAC-STARR-seq lymphoblastoid silent region 8533; plus strand). Cytogenetic location: 17q21.2.
Variant type: single nucleotide variant.
Coding change: c.144C>A on transcript NM_000263.4 (MANE Select); coding-DNA position 144, C replaced by A.
Protein change: p.Phe48Leu; replaces phenylalanine 48 with leucine.
Molecular consequence: missense variant.
Genome position (GRCh38, 1-based): chr17:42,536,416, C>A. VCF-style: chr17-42536416-C-A. GRCh37 (hg19) VCF-style: chr17-40688434-C-A.
Other names: c.144C>A (NM_000263.3); short protein forms F48L.
Identifiers: ClinVar variation 2138021 (VCV002138021.5), dbSNP rs104894599, ClinGen allele CA290771267.